The following is an entry in ClinVar:

ClinVar aggregate classification (germline): Uncertain significance (1 of 4 stars; one submission).

Conditions:
Immunodeficiency 67. Also called: Immunodeficiency due to interleukin-1 receptor-associated kinase-4 deficiency. Identifiers: Orphanet 70592, MedGen C1843256, MONDO:0011888, OMIM 607676.

gnomAD v4.1: 1 of 1,601,584 alleles (0.000062%); highest among the groups gnomAD compares: African/African-American, 0.0013%; no homozygotes.

Submission:

Labcorp Genetics (formerly Invitae), Labcorp
Classification: Uncertain significance for Immunodeficiency 67. Last evaluated: 2024-12-31. Review status: criteria provided, single submitter. Criteria: Invitae Variant Classification Sherloc (09022015). Collection method: clinical testing. Allele origin: germline.
Comment: This sequence change replaces lysine, which is basic and polar, with asparagine, which is neutral and polar, at codon 239 of the IRAK4 protein (p.Lys239Asn). This variant is present in population databases (no rsID available, gnomAD 0.007%). This variant has not been reported in the literature in individuals affected with IRAK4-related conditions. An algorithm developed to predict the effect of missense changes on protein structure and function (PolyPhen-2) suggests that this variant is likely to be tolerated. Algorithms developed to predict the effect of sequence changes on RNA splicing suggest that this variant may disrupt the consensus splice site. In summary, the available evidence is currently insufficient to determine the role of this variant in disease. Therefore, it has been classified as a Variant of Uncertain Significance.

NM_016123.4(IRAK4):c.717G>C (p.Lys239Asn)

Gene: IRAK4 (interleukin 1 receptor associated kinase 4; plus strand). Cytogenetic location: 12q12.
Variant type: single nucleotide variant.
Coding change: c.717G>C on transcript NM_016123.4 (MANE Select); coding-DNA position 717, G replaced by C.
Protein change: p.Lys239Asn; replaces lysine 239 with asparagine.
Molecular consequence: missense variant.
Genome position (GRCh38, 1-based): chr12:43,777,630, G>C. VCF-style: chr12-43777630-G-C. GRCh37 (hg19) VCF-style: chr12-44171433-G-C.
Other names: c.717G>C, p.Lys239Asn (NM_001114182.3, NM_001351345.2); c.345G>C, p.Lys115Asn (NM_001145256.2, NM_001145257.2, NM_001145258.2 and 5 more transcripts); c.108G>C, p.Lys36Asn (NM_001351343.2, NM_001351344.2); short protein forms K239N, K36N, K115N.
Identifiers: ClinVar variation 3681554 (VCV003681554.2).
Genomic context (GRCh38, chr12:43,777,630, plus strand): 5'-AACCTATAGCTGAATATATATTTATTATAATAATTTTGCATGAAAAATTATTTGTCACAG[G>C]TGTCAACATGAAAACTTAGTAGAACTACTTGGTTTCTCAAGTGATGGAGATGACCTCTGC-3'
Protein context (NP_057207.2, residues 229-249): QFDQEIKVMA[Lys239Asn]CQHENLVELL